The following is an entry in ClinVar:

NM_005585.5(SMAD6):c.82G>A (p.Gly28Ser)

Gene: SMAD6 (SMAD family member 6; plus strand). Cytogenetic location: 15q22.31.
Variant type: single nucleotide variant.
Coding change: c.82G>A on transcript NM_005585.5 (MANE Select); coding-DNA position 82, G replaced by A.
Protein change: p.Gly28Ser; replaces glycine 28 with serine.
Molecular consequence: missense variant. On other transcripts: non-coding transcript variant (1).
Genome position (GRCh38, 1-based): chr15:66,703,340, G>A. VCF-style: chr15-66703340-G-A. GRCh37 (hg19) VCF-style: chr15-66995678-G-A.
Other names: short protein forms G28S.
Identifiers: ClinVar variation 661416 (VCV000661416.12), dbSNP rs868114319, ClinGen allele CA271682532.
Genomic context (GRCh38, chr15:66,703,340, plus strand): 5'-GGGCTGGTGCGGCGACTTTGGCGAAGTCGTGTGGTCCCCGACCGGGAGGAAGGCGGCAGC[G>A]GCGGCGGCGGTGGCGGCGACGAGGATGGGAGCTTGGGCAGCCGAGCTGAGCCGGCCCCGC-3'
Protein context (NP_005576.3, residues 18-38): VVPDREEGGS[Gly28Ser]GGGGGDEDGS

ClinVar aggregate classification (germline): Uncertain significance. Review status: criteria provided, multiple submitters, no conflicts (2 of 4 stars). 2 submissions from 2 submitters: Uncertain significance (2). Last evaluated 2025-04-19.

Conditions:
Aortic valve disease 2 (AOVD2). Identifiers: MedGen C3542024, MONDO:0013902, OMIM 614823.
Inborn genetic diseases. Identifiers: MedGen C0950123, MeSH D030342.

Allele frequency attached by ClinVar (database versions not stated): TOPMed below 0.00001; gnomAD 0.00001; gnomAD exomes 0.00001.
gnomAD v4.1: 10 of 1,478,126 alleles (0.00068%); highest among the groups gnomAD compares: Admixed American, 0.0024%; no homozygotes.

Submissions (2):

Ambry Genetics
Classification: Uncertain significance for Inborn genetic diseases. Last evaluated: 2025-04-19. Review status: criteria provided, single submitter. Criteria: Ambry Variant Classification Scheme 2023. Collection method: clinical testing. Allele origin: germline.
Comment: The p.G28S variant (also known as c.82G>A), located in coding exon 1 of the SMAD6 gene, results from a G to A substitution at nucleotide position 82. The glycine at codon 28 is replaced by serine, an amino acid with similar properties. This amino acid position is conserved. In addition, this alteration is predicted to be tolerated by in silico analysis. Based on the available evidence, the clinical significance of this variant remains unclear.

Labcorp Genetics (formerly Invitae), Labcorp
Classification: Uncertain significance for Aortic valve disease 2. Last evaluated: 2023-06-20. Review status: criteria provided, single submitter. Criteria: Invitae Variant Classification Sherloc (09022015). Collection method: clinical testing. Allele origin: germline.
Comment: This sequence change replaces glycine, which is neutral and non-polar, with serine, which is neutral and polar, at codon 28 of the SMAD6 protein (p.Gly28Ser). The frequency data for this variant in the population databases is considered unreliable, as metrics indicate poor data quality at this position in the gnomAD database. This variant has not been reported in the literature in individuals affected with SMAD6-related conditions. ClinVar contains an entry for this variant (Variation ID: 661416). Algorithms developed to predict the effect of missense changes on protein structure and function output the following: SIFT: "Not Available"; PolyPhen-2: "Benign"; Align-GVGD: "Not Available". The serine amino acid residue is found in multiple mammalian species, which suggests that this missense change does not adversely affect protein function. In summary, the available evidence is currently insufficient to determine the role of this variant in disease. Therefore, it has been classified as a Variant of Uncertain Significance.